The following is an entry in ClinVar:

ClinVar aggregate classification (germline): Uncertain significance (1 of 4 stars; one submission).

Conditions:
Severe myoclonic epilepsy in infancy (DRVT). Also called: Epileptic encephalopathy, early infantile, 6 (Dravet syndrome); Dravet syndrome; SEVERE MYOCLONIC EPILEPSY OF INFANCY; DEVELOPMENTAL AND EPILEPTIC ENCEPHALOPATHY 6A; Severe Myoclonic Epilepsy in Infancy (SMEI). Identifiers: Orphanet 33069, MedGen C0751122, MONDO:0100135, OMIM 607208.

gnomAD v4.1: 24 of 1,449,898 alleles (0.0017%); highest among the groups gnomAD compares: Non-Finnish European, 0.0019%; no homozygotes.

Submission:

Labcorp Genetics (formerly Invitae), Labcorp
Classification: Uncertain significance for Severe myoclonic epilepsy in infancy. Last evaluated: 2022-09-07. Review status: criteria provided, single submitter. Criteria: Invitae Variant Classification Sherloc (09022015). Collection method: clinical testing. Allele origin: germline.
Comment: This sequence change replaces asparagine, which is neutral and polar, with histidine, which is basic and polar, at codon 416 of the SNX27 protein (p.Asn416His). This variant is present in population databases (no rsID available, gnomAD 0.001%). This variant has not been reported in the literature in individuals affected with SNX27-related conditions. ClinVar contains an entry for this variant (Variation ID: 1494548). Algorithms developed to predict the effect of missense changes on protein structure and function are either unavailable or do not agree on the potential impact of this missense change (SIFT: "Deleterious"; PolyPhen-2: "Possibly Damaging"; Align-GVGD: "Class C0"). In summary, the available evidence is currently insufficient to determine the role of this variant in disease. Therefore, it has been classified as a Variant of Uncertain Significance.

NM_001330723.2(SNX27):c.1246A>C (p.Asn416His)

Gene: SNX27 (sorting nexin 27; plus strand). Cytogenetic location: 1q21.3.
Variant type: single nucleotide variant.
Coding change: c.1246A>C on transcript NM_001330723.2 (MANE Select); coding-DNA position 1246, A replaced by C.
Protein change: p.Asn416His; replaces asparagine 416 with histidine.
Molecular consequence: missense variant.
Genome position (GRCh38, 1-based): chr1:151,692,441, A>C. VCF-style: chr1-151692441-A-C. GRCh37 (hg19) VCF-style: chr1-151664917-A-C.
Other names: c.1246A>C, p.Asn416His (NM_030918.6); short protein forms N416H.
Identifiers: ClinVar variation 1494548 (VCV001494548.3), dbSNP rs1388451146, ClinGen allele CA341971557.